The following is an entry in ClinVar:

ClinVar aggregate classification (germline): Uncertain significance (1 of 4 stars; one submission).

Submission:

GeneDx
Classification: Uncertain significance. Last evaluated: 2024-02-16. Review status: criteria provided, single submitter. Criteria: GeneDx Variant Classification Process June 2021. Collection method: clinical testing. Allele origin: germline. Affected: yes.
Comment: Not observed at significant frequency in large population cohorts (gnomAD); In silico analysis supports that this missense variant does not alter protein structure/function; Has not been previously published as pathogenic or benign to our knowledge

NM_004187.5(KDM5C):c.2518C>A (p.Pro840Thr)

Gene: KDM5C (lysine demethylase 5C; minus strand). Cytogenetic location: Xp11.22.
Variant type: single nucleotide variant.
Coding change: c.2518C>A on transcript NM_004187.5 (MANE Select); coding-DNA position 2518, C replaced by A.
Protein change: p.Pro840Thr; replaces proline 840 with threonine.
Molecular consequence: missense variant. On other transcripts: non-coding transcript variant (3).
Genome position (GRCh38, 1-based): chrX:53,197,875, G>T on the plus strand (C>A on the coding strand, the complement: KDM5C is on the minus strand). VCF-style: chrX-53197875-G-T. GRCh37 (hg19) VCF-style: chrX-53227057-G-T.
Other names: c.2317C>A, p.Pro773Thr (NM_001146702.2); c.2515C>A, p.Pro839Thr (NM_001282622.3, NM_001353979.2, NM_001353982.2); c.2518C>A, p.Pro840Thr (NM_001353978.3, NM_001353981.2, NM_001353984.2); short protein forms P773T, P839T, P840T.
Identifiers: ClinVar variation 3369324 (VCV003369324.1).